The following is an entry in ClinVar:

ClinVar aggregate classification (germline): Uncertain significance (1 of 4 stars; one submission).

Allele frequency attached by ClinVar (database versions not stated): gnomAD 0.00001; TOPMed 0.00001.

Submission:

Labcorp Genetics (formerly Invitae), Labcorp
Classification: Uncertain significance. Last evaluated: 2024-04-29. Review status: criteria provided, single submitter. Criteria: Invitae Variant Classification Sherloc (09022015). Collection method: clinical testing. Allele origin: germline.
Comment: This sequence change replaces alanine, which is neutral and non-polar, with proline, which is neutral and non-polar, at codon 109 of the ROM1 protein (p.Ala109Pro). This variant is present in population databases (rs762335852, gnomAD 0.007%). This variant has not been reported in the literature in individuals affected with ROM1-related conditions. ClinVar contains an entry for this variant (Variation ID: 1391395). Advanced modeling of protein sequence and biophysical properties (such as structural, functional, and spatial information, amino acid conservation, physicochemical variation, residue mobility, and thermodynamic stability) performed at Invitae indicates that this missense variant is not expected to disrupt ROM1 protein function with a negative predictive value of 80%. In summary, the available evidence is currently insufficient to determine the role of this variant in disease. Therefore, it has been classified as a Variant of Uncertain Significance.

NM_000327.4(ROM1):c.325G>C (p.Ala109Pro)

Gene: ROM1 (retinal outer segment membrane protein 1; plus strand). Cytogenetic location: 11q12.3.
Variant type: single nucleotide variant.
Coding change: c.325G>C on transcript NM_000327.4 (MANE Select); coding-DNA position 325, G replaced by C.
Protein change: p.Ala109Pro; replaces alanine 109 with proline.
Molecular consequence: missense variant.
Genome position (GRCh38, 1-based): chr11:62,613,606, G>C. VCF-style: chr11-62613606-G-C. GRCh37 (hg19) VCF-style: chr11-62381078-G-C.
Other names: short protein forms A109P.
Identifiers: ClinVar variation 1391395 (VCV001391395.8), dbSNP rs762335852, ClinGen allele CA6049702.